The following is an entry in ClinVar:

ClinVar aggregate classification (germline): Uncertain significance (1 of 4 stars; one submission).

Conditions:
Familial adenomatous polyposis 1 (FAP1). Also called: FAMILIAL ADENOMATOUS POLYPOSIS 1, ATTENUATED; POLYPOSIS, ADENOMATOUS INTESTINAL. Identifiers: MedGen C2713442, MONDO:0021056, OMIM 175100. Disease mechanism: loss of function.

Submission:

Labcorp Genetics (formerly Invitae), Labcorp
Classification: Uncertain significance for Familial adenomatous polyposis 1. Last evaluated: 2020-10-28. Review status: criteria provided, single submitter. Criteria: Invitae Variant Classification Sherloc (09022015). Collection method: clinical testing. Allele origin: germline.
Comment: This sequence change falls in intron 2 of the APC gene. It does not directly change the encoded amino acid sequence of the APC protein. It affects a nucleotide within the consensus splice site of the intron. This variant is not present in population databases (ExAC no frequency). This variant has not been reported in the literature in individuals with APC-related conditions. Nucleotide substitutions within the consensus splice site are a relatively common cause of aberrant splicing (PMID: 17576681, 9536098). Algorithms developed to predict the effect of sequence changes on RNA splicing suggest that this variant may disrupt the consensus splice site, but this prediction has not been confirmed by published transcriptional studies. In summary, the available evidence is currently insufficient to determine the role of this variant in disease. Therefore, it has been classified as a Variant of Uncertain Significance.

Literature cited by the submitters: PubMed 17576681; PubMed 9536098.

NM_000038.6(APC):c.135+3A>T

Gene: APC (APC regulator of Wnt signaling pathway; plus strand). Cytogenetic location: 5q22.2.
Variant type: single nucleotide variant.
Coding change: c.135+3A>T on transcript NM_000038.6 (MANE Select); 3 bases into the intron after coding-DNA position 135, A replaced by T.
Molecular consequence: intron variant.
Genome position (GRCh38, 1-based): chr5:112,755,028, A>T. VCF-style: chr5-112755028-A-T. GRCh37 (hg19) VCF-style: chr5-112090725-A-T.
Other names: c.135+3A>T (NM_001354895.2, NM_001127510.3, NM_001354896.2 and 2 more transcripts); c.166-11298A>T (NM_001354897.2, NM_001354902.2, NM_001127511.3); c.61-11298A>T (NM_001354898.2, NM_001354904.2); c.-901+3A>T (NM_001354906.2); c.-42-11298A>T (NM_001354900.2, NM_001354901.2, NM_001354905.2).
Identifiers: ClinVar variation 1006473 (VCV001006473.8), dbSNP rs1754805091, ClinGen allele CA1573472989.